The following is an entry in ClinVar:

NM_016302.4(CRBN):c.1117C>T (p.Arg373Trp)

Genes: CRBN (cereblon; minus strand), TRNT1 (tRNA nucleotidyl transferase 1; plus strand). Cytogenetic location: 3p26.2.
Variant type: single nucleotide variant.
Coding change: c.1117C>T on transcript NM_016302.4 (MANE Select); coding-DNA position 1117, C replaced by T.
Protein change: p.Arg373Trp; replaces arginine 373 with tryptophan.
Molecular consequence: missense variant. On other transcripts: 3 prime UTR variant (1), non-coding transcript variant (4).
Genome position (GRCh38, 1-based): chr3:3,152,487, G>A on the plus strand (C>T on the coding strand, the complement: CRBN is on the minus strand). VCF-style: chr3-3152487-G-A. GRCh37 (hg19) VCF-style: chr3-3194171-G-A.
Other names: c.*1981G>A (NM_001367321.1); c.1114C>T, p.Arg372Trp (NM_001173482.1); short protein forms R372W, R373W.
Identifiers: ClinVar variation 929050 (VCV000929050.3), dbSNP rs775940573, ClinGen allele CA2229048.

ClinVar aggregate classification (germline): Uncertain significance. Review status: criteria provided, multiple submitters, no conflicts (2 of 4 stars). 2 submissions from 2 submitters: Uncertain significance (2). Last evaluated 2025-10-17.

Conditions:
Inborn genetic diseases. Identifiers: MedGen C0950123, MeSH D030342.

Allele frequency attached by ClinVar (database versions not stated): TOPMed 0.00002; ExAC 0.00001; gnomAD 0.00001; gnomAD exomes 0.00002.
gnomAD v4.1: 14 of 1,613,472 alleles (0.00087%); highest among the groups gnomAD compares: East Asian, 0.0022%; no homozygotes.

Submissions (2):

Ambry Genetics
Classification: Uncertain significance for Inborn genetic diseases. Last evaluated: 2025-10-17. Review status: criteria provided, single submitter. Criteria: Ambry Variant Classification Scheme 2023. Collection method: clinical testing. Allele origin: germline.

Women's Health and Genetics/Laboratory Corporation of America, LabCorp
Classification: Uncertain significance. Last evaluated: 2019-12-20. Review status: criteria provided, single submitter. Criteria: LabCorp Variant Classification Summary - May 2015. Collection method: clinical testing. Allele origin: germline.
Comment: Variant summary: CRBN c.1117C>T (p.Arg373Trp) results in a non-conservative amino acid change located in the Yippee/Mis18/Cereblon domain (IPR004910) of the encoded protein sequence. Four of five in-silico tools predict a damaging effect of the variant on protein function. The variant allele was found at a frequency of 2.4e-05 in 251436 control chromosomes (gnomAD). The available data on variant occurrences in the general population are insufficient to allow any conclusion about variant significance. To our knowledge, no occurrence of c.1117C>T in individuals affected with Mental retardation, autosomal recessive 2 and no experimental evidence demonstrating its impact on protein function have been reported. No clinical diagnostic laboratories have submitted clinical-significance assessments for this variant to ClinVar after 2014. Based on the evidence outlined above, the variant was classified as uncertain significance.